The following is an entry in ClinVar:

ClinVar aggregate classification (germline): Conflicting classifications of pathogenicity. Review status: criteria provided, conflicting classifications (1 of 4 stars). 3 submissions from 2 submitters: Uncertain significance (1); Benign (1); Likely benign (1). Last evaluated 2021-05-19.

Conditions:
Autosomal recessive nonsyndromic hearing loss 37. Identifiers: Orphanet 90636, MedGen C1843028, MONDO:0011912, OMIM 607821.
Autosomal dominant nonsyndromic hearing loss 22. Also called: Autosomal dominant nonsyndromic deafness 22; DFNA 22. Identifiers: Orphanet 228012, MedGen C2931767, MONDO:0011660, OMIM 606346.

Allele frequency attached by ClinVar (database versions not stated): 1000 Genomes Project 30x 0.00578; 1000 Genomes Project 0.00599; gnomAD 0.01219 and 0.01269; TOPMed 0.01251.

Submissions (3):

GeneDx
Classification: Likely benign. Last evaluated: 2021-05-19. Review status: criteria provided, single submitter. Criteria: GeneDx Variant Classification Process June 2021. Collection method: clinical testing. Allele origin: germline. Affected: yes.

Illumina Laboratory Services, Illumina
Classification: Uncertain significance for Autosomal recessive nonsyndromic hearing loss 37. Last evaluated: 2018-01-13. Review status: criteria provided, single submitter. Criteria: ICSL Variant Classification Criteria 13 December 2019. Collection method: clinical testing. Allele origin: germline.

Illumina Laboratory Services, Illumina
Classification: Benign for Autosomal dominant nonsyndromic hearing loss 22. Last evaluated: 2018-01-13. Review status: criteria provided, single submitter. Criteria: ICSL Variant Classification Criteria 13 December 2019. Collection method: clinical testing. Allele origin: germline.
Comment: This variant was observed in the ICSL laboratory as part of a predisposition screen in an ostensibly healthy population. It had not been previously curated by ICSL or reported in the Human Gene Mutation Database (HGMD: prior to June 1st, 2018), and was therefore a candidate for classification through an automated scoring system. Utilizing variant allele frequency, disease prevalence and penetrance estimates, and inheritance mode, an automated score was calculated to assess if this variant is too frequent to cause the disease. Based on the score and internal cut-off values, a variant classified as benign is not then subjected to further curation. The score for this variant resulted in a classification of benign for this disease.

NM_004999.4(MYO6):c.*2547G>A

Gene: MYO6 (myosin VI; plus strand). Cytogenetic location: 6q14.1.
Variant type: single nucleotide variant.
Coding change: c.*2547G>A on transcript NM_004999.4 (MANE Select); 2547 bases downstream of the stop codon, G replaced by A.
Molecular consequence: 3 prime UTR variant. On other transcripts: non-coding transcript variant (1).
Genome position (GRCh38, 1-based): chr6:75,917,559, G>A. VCF-style: chr6-75917559-G-A. GRCh37 (hg19) VCF-style: chr6-76627276-G-A.
Other names: c.*2547G>A (NM_001300899.2, NM_001368136.1, NM_001368137.1 and 3 more transcripts).
Identifiers: ClinVar variation 358031 (VCV000358031.6), dbSNP rs148652044, ClinGen allele CA10622719.